The following is an entry in ClinVar:

NM_014956.5(CEP164):c.1853T>C (p.Met618Thr)

Gene: CEP164 (centrosomal protein 164; plus strand). Cytogenetic location: 11q23.3.
Variant type: single nucleotide variant.
Coding change: c.1853T>C on transcript NM_014956.5 (MANE Select); coding-DNA position 1853, T replaced by C.
Protein change: p.Met618Thr; replaces methionine 618 with threonine.
Molecular consequence: missense variant.
Genome position (GRCh38, 1-based): chr11:117,387,331, T>C. VCF-style: chr11-117387331-T-C. GRCh37 (hg19) VCF-style: chr11-117258047-T-C.
Other names: c.1862T>C, p.Met621Thr (NM_001271933.2); short protein forms M618T, M621T.
Identifiers: ClinVar variation 1023847 (VCV001023847.8), dbSNP rs142108558, ClinGen allele CA6294879.
Genomic context (GRCh38, chr11:117,387,331, plus strand): 5'-CAGTGGCCCAAGTACTCGAGCAAGACCAGAGGCACCTGCTGGAATCCAAGCAAGAGAAGA[T>C]GCAGCAACTGCGGGAGAAGCTGTGCCAAGAGGAGGAAGAGGAGATCCTCCGGCTTCACCA-3'
Protein context (NP_055771.4, residues 608-628): RHLLESKQEK[Met618Thr]QQLREKLCQE

ClinVar aggregate classification (germline): Uncertain significance. Review status: criteria provided, multiple submitters, no conflicts (2 of 4 stars). 5 submissions from 5 submitters: Uncertain significance (4). 1 of the submissions does not count toward it. Last evaluated 2024-04-12.

Conditions:
CEP164-related disorder. Also called: CEP164-related condition.
Nephronophthisis 15 (NPHP15). Identifiers: Orphanet 3156, MedGen C3541853, MONDO:0013917, OMIM 614845.

Allele frequency attached by ClinVar (database versions not stated): gnomAD exomes 0.00002 and 0.00004; ExAC 0.00006; TOPMed 0.00015; ESP Exome Variant Server 0.00038.
gnomAD v4.1: 48 of 1,614,068 alleles (0.003%); highest among the groups gnomAD compares: African/African-American, 0.052%; no homozygotes.

Submissions (5):

Fulgent Genetics
Classification: Uncertain significance for Nephronophthisis 15. Last evaluated: 2024-04-12. Review status: criteria provided, single submitter. Criteria: ACMG Guidelines, 2015. Collection method: clinical testing. Allele origin: germline.

GeneDx
Classification: Uncertain significance. Last evaluated: 2022-09-07. Review status: criteria provided, single submitter. Criteria: GeneDx Variant Classification Process June 2021. Collection method: clinical testing. Allele origin: germline. Affected: yes.
Comment: In silico analysis supports that this missense variant does not alter protein structure/function; Has not been previously published as pathogenic or benign to our knowledge

Labcorp Genetics (formerly Invitae), Labcorp
Classification: Uncertain significance for Nephronophthisis 15. Last evaluated: 2022-07-05. Review status: criteria provided, single submitter. Criteria: Invitae Variant Classification Sherloc (09022015). Collection method: clinical testing. Allele origin: germline.
Comment: This sequence change replaces methionine, which is neutral and non-polar, with threonine, which is neutral and polar, at codon 618 of the CEP164 protein (p.Met618Thr). This variant is present in population databases (rs142108558, gnomAD 0.05%). This variant has not been reported in the literature in individuals affected with CEP164-related conditions. ClinVar contains an entry for this variant (Variation ID: 1023847). Algorithms developed to predict the effect of missense changes on protein structure and function are either unavailable or do not agree on the potential impact of this missense change (SIFT: "Deleterious"; PolyPhen-2: "Benign"; Align-GVGD: "Class C45"). In summary, the available evidence is currently insufficient to determine the role of this variant in disease. Therefore, it has been classified as a Variant of Uncertain Significance.

Blueprint Genetics
Classification: Uncertain significance. Last evaluated: 2022-04-03. Review status: criteria provided, single submitter. Criteria: ACMG Guidelines, 2015. Collection method: clinical testing. Allele origin: germline.

PreventionGenetics, part of Exact Sciences
Classification: Uncertain significance for CEP164-related condition. Last evaluated: 2024-09-19. Review status: no assertion criteria provided. Collection method: clinical testing. Allele origin: germline. Not counted in ClinVar's aggregate classification.
Comment: The CEP164 c.1853T>C variant is predicted to result in the amino acid substitution p.Met618Thr. To our knowledge, this variant has not been reported in the literature. This variant is reported in 0.048% of alleles in individuals of African descent in gnomAD. At this time, the clinical significance of this variant is uncertain due to the absence of conclusive functional and genetic evidence.